The following is an entry in ClinVar:

NM_052867.4(NALCN):c.4183A>G (p.Met1395Val)

Gene: NALCN (sodium leak channel, non-selective; minus strand). Cytogenetic location: 13q32.3.
Variant type: single nucleotide variant.
Coding change: c.4183A>G on transcript NM_052867.4 (MANE Select); coding-DNA position 4183, A replaced by G.
Protein change: p.Met1395Val; replaces methionine 1395 with valine.
Molecular consequence: missense variant.
Genome position (GRCh38, 1-based): chr13:101,073,598, T>C on the plus strand (A>G on the coding strand, the complement: NALCN is on the minus strand). VCF-style: chr13-101073598-T-C. GRCh37 (hg19) VCF-style: chr13-101725950-T-C.
Other names: c.4270A>G, p.Met1424Val (NM_001350748.2); c.4183A>G, p.Met1395Val (NM_001350749.2); c.4096A>G, p.Met1366Val (NM_001350750.2, NM_001350751.2); short protein forms M1366V, M1395V, M1424V.
Identifiers: ClinVar variation 3903377 (VCV003903377.2).

ClinVar aggregate classification (germline): Uncertain significance (1 of 4 stars; one submission).

Submission:

GeneDx
Classification: Uncertain significance. Last evaluated: 2025-11-24. Review status: criteria provided, single submitter. Criteria: GeneDx Variant Classification Process June 2021. Collection method: clinical testing. Allele origin: germline.
Comment: Not observed at significant frequency in large population cohorts (gnomAD); In silico analysis supports that this missense variant has a deleterious effect on protein structure/function; Has not been previously published as pathogenic or benign to our knowledge